The following is an entry in ClinVar:

NM_000135.4(FANCA):c.1633A>G (p.Ser545Gly)

Gene: FANCA (FA complementation group A; minus strand). Cytogenetic location: 16q24.3.
Variant type: single nucleotide variant.
Coding change: c.1633A>G on transcript NM_000135.4 (MANE Select); coding-DNA position 1633, A replaced by G.
Protein change: p.Ser545Gly; replaces serine 545 with glycine.
Molecular consequence: missense variant.
Genome position (GRCh38, 1-based): chr16:89,779,951, T>C on the plus strand (A>G on the coding strand, the complement: FANCA is on the minus strand). VCF-style: chr16-89779951-T-C. GRCh37 (hg19) VCF-style: chr16-89846359-T-C.
Other names: c.1633A>G, p.Ser545Gly (NM_001286167.3); short protein forms S545G.
Identifiers: ClinVar variation 2062113 (VCV002062113.2), dbSNP rs748029566, ClinGen allele CA8252185.

ClinVar aggregate classification (germline): Uncertain significance (1 of 4 stars; one submission).

Conditions:
Fanconi anemia (FA). Also called: Fanconi's anemia. Identifiers: Orphanet 84, MedGen C0015625, MeSH D005199, MONDO:0019391.

Allele frequency attached by ClinVar (database versions not stated): ExAC 0.00001; gnomAD 0.00001.
gnomAD v4.1: 4 of 1,614,052 alleles (0.00025%); highest among the groups gnomAD compares: Admixed American, 0.0033%; no homozygotes.

Submission:

Labcorp Genetics (formerly Invitae), Labcorp
Classification: Uncertain significance for Fanconi anemia. Last evaluated: 2025-09-28. Review status: criteria provided, single submitter. Criteria: Invitae Variant Classification Sherloc (09022015). Collection method: clinical testing. Allele origin: germline.
Comment: This sequence change replaces serine, which is neutral and polar, with glycine, which is neutral and non-polar, at codon 545 of the FANCA protein (p.Ser545Gly). This variant is present in population databases (rs748029566, gnomAD 0.003%). This variant has not been reported in the literature in individuals affected with FANCA-related conditions. ClinVar contains an entry for this variant (Variation ID: 2062113). Invitae Evidence Modeling of protein sequence and biophysical properties (such as structural, functional, and spatial information, amino acid conservation, physicochemical variation, residue mobility, and thermodynamic stability) indicates that this missense variant is not expected to disrupt FANCA protein function with a negative predictive value of 95%. In summary, the available evidence is currently insufficient to determine the role of this variant in disease. Therefore, it has been classified as a Variant of Uncertain Significance.